The following is an entry in ClinVar:

NM_001039876.3(SYNE4):c.355C>T (p.Arg119Trp)

Gene: SYNE4 (spectrin repeat containing nuclear envelope family member 4; minus strand). Cytogenetic location: 19q13.12.
Variant type: single nucleotide variant.
Coding change: c.355C>T on transcript NM_001039876.3 (MANE Select); coding-DNA position 355, C replaced by T.
Protein change: p.Arg119Trp; replaces arginine 119 with tryptophan.
Molecular consequence: missense variant. On other transcripts: intron variant (1).
Genome position (GRCh38, 1-based): chr19:36,007,193, G>A on the plus strand (C>T on the coding strand, the complement: SYNE4 is on the minus strand). VCF-style: chr19-36007193-G-A. GRCh37 (hg19) VCF-style: chr19-36498095-G-A.
Other names: c.280-522C>T (NM_001297735.3); c.355C>T (NM_001039876.2, NM_001039876.1); short protein forms R119W.
Identifiers: ClinVar variation 500431 (VCV000500431.14), dbSNP rs181215219, ClinGen allele CA9393959.

ClinVar aggregate classification (germline): Uncertain significance. Review status: criteria provided, multiple submitters, no conflicts (2 of 4 stars). 5 submissions from 5 submitters: Uncertain significance (5). Last evaluated 2026-07-23.

Allele frequency attached by ClinVar (database versions not stated): ExAC 0.00007; gnomAD 0.00028 and 0.00029; 1000 Genomes Project 0.00040; TOPMed 0.00046; 1000 Genomes Project 30x 0.00062.

Submissions (5):

GeneDx
Classification: Uncertain significance. Last evaluated: 2026-07-23. Review status: criteria provided, single submitter. Criteria: GeneDx Variant Classification Process June 2021. Collection method: clinical testing. Allele origin: germline.
Comment: In silico analysis supports that this missense variant has a deleterious effect on protein structure/function; Not observed at significant frequency in large population cohorts (gnomAD); This variant is associated with the following publications: (PMID: 40219605, 41736722)

Blueprint Genetics
Classification: Uncertain significance. Last evaluated: 2024-08-08. Review status: criteria provided, single submitter. Criteria: ACMG Guidelines, 2015. Collection method: clinical testing. Allele origin: germline.

Labcorp Genetics (formerly Invitae), Labcorp
Classification: Uncertain significance. Last evaluated: 2024-04-25. Review status: criteria provided, single submitter. Criteria: Invitae Variant Classification Sherloc (09022015). Collection method: clinical testing. Allele origin: germline.
Comment: This sequence change replaces arginine, which is basic and polar, with tryptophan, which is neutral and slightly polar, at codon 119 of the SYNE4 protein (p.Arg119Trp). The frequency data for this variant in the population databases is considered unreliable, as metrics indicate poor data quality at this position in the gnomAD database. This variant has not been reported in the literature in individuals affected with SYNE4-related conditions. ClinVar contains an entry for this variant (Variation ID: 500431). Advanced modeling of protein sequence and biophysical properties (such as structural, functional, and spatial information, amino acid conservation, physicochemical variation, residue mobility, and thermodynamic stability) performed at Invitae indicates that this missense variant is not expected to disrupt SYNE4 protein function with a negative predictive value of 80%. In summary, the available evidence is currently insufficient to determine the role of this variant in disease. Therefore, it has been classified as a Variant of Uncertain Significance.

Ambry Genetics
Classification: Uncertain significance. Last evaluated: 2024-03-30. Review status: criteria provided, single submitter. Criteria: Ambry Variant Classification Scheme 2023. Collection method: clinical testing. Allele origin: germline.

Eurofins Ntd Llc (ga)
Classification: Uncertain significance. Last evaluated: 2017-02-27. Review status: criteria provided, single submitter. Criteria: EGL Classification Definitions 2015. Collection method: clinical testing. Allele origin: germline. Observed: 1 variant allele, 1 heterozygote.